The following is an entry in ClinVar:

NM_000350.3(ABCA4):c.1819G>C (p.Gly607Arg)

Gene: ABCA4 (ATP binding cassette subfamily A member 4; minus strand). Cytogenetic location: 1p22.1.
Variant type: single nucleotide variant.
Coding change: c.1819G>C on transcript NM_000350.3 (MANE Select); coding-DNA position 1819, G replaced by C.
Protein change: p.Gly607Arg; replaces glycine 607 with arginine.
Molecular consequence: missense variant.
Genome position (GRCh38, 1-based): chr1:94,062,695, C>G on the plus strand (G>C on the coding strand, the complement: ABCA4 is on the minus strand). VCF-style: chr1-94062695-C-G. GRCh37 (hg19) VCF-style: chr1-94528251-C-G.
Other names: c.1819G>C, p.Gly607Arg (NM_001425324.1); short protein forms G607R.
Identifiers: ClinVar variation 522787 (VCV000522787.15), dbSNP rs61749412, ClinGen allele CA341279593.

ClinVar aggregate classification (germline): Pathogenic. Review status: criteria provided, multiple submitters, no conflicts (2 of 4 stars). 4 submissions from 4 submitters: Pathogenic (3). 1 of the submissions does not count toward it. Last evaluated 2024-08-19.

Conditions:
Stargardt disease 3. Also called: MACULAR DYSTROPHY WITH FLECKS, TYPE 3; STARGARDT-LIKE MACULAR DYSTROPHY, AUTOSOMAL DOMINANT. Identifiers: Orphanet 827, MedGen C1838644, MONDO:0010819, OMIM 600110.
ABCA4-related disorder. Also called: ABCA4-related disorders; ABCA4-related condition. Identifiers: MedGen CN239167.
Cone-rod dystrophy 3 (CORD3). Identifiers: Orphanet 1872, MedGen C1858806, MONDO:0011395, OMIM 604116.

Submissions (4):

Labcorp Genetics (formerly Invitae), Labcorp
Classification: Pathogenic. Last evaluated: 2024-08-19. Review status: criteria provided, single submitter. Criteria: Invitae Variant Classification Sherloc (09022015). Collection method: clinical testing. Allele origin: germline.
Comment: This sequence change replaces glycine, which is neutral and non-polar, with arginine, which is basic and polar, at codon 607 of the ABCA4 protein (p.Gly607Arg). This variant is not present in population databases (gnomAD no frequency). This missense change has been observed in individual(s) with Stargardt disease (PMID: 23755871, 24632595, 24763286, 27032803, 28559085). ClinVar contains an entry for this variant (Variation ID: 522787). Invitae Evidence Modeling of protein sequence and biophysical properties (such as structural, functional, and spatial information, amino acid conservation, physicochemical variation, residue mobility, and thermodynamic stability) indicates that this missense variant is expected to disrupt ABCA4 protein function with a positive predictive value of 95%. This variant disrupts the p.Gly607 amino acid residue in ABCA4. Other variant(s) that disrupt this residue have been determined to be pathogenic (PMID: 23755871, 24632595, 24763286, 28559085). This suggests that this residue is clinically significant, and that variants that disrupt this residue are likely to be disease-causing. For these reasons, this variant has been classified as Pathogenic.

Blueprint Genetics
Classification: Pathogenic for ABCA4-related disorders. Last evaluated: 2022-09-27. Review status: criteria provided, single submitter. Criteria: ACMG Guidelines, 2015. Collection method: clinical testing. Allele origin: germline. Affected: yes. Observed: 1 variant allele.

Genomic Research Center, Shahid Beheshti University of Medical Sciences
Classification: Pathogenic for Cone-rod dystrophy 3. Last evaluated: 2017-12-03. Review status: criteria provided, single submitter. Criteria: ACMG Guidelines, 2015. Collection method: clinical testing. Allele origin: inherited. Affected: yes.

Ophthalmo-Genetics Lab, Instituto de Oftalmologia Conde de Valenciana
Classification: Pathogenic for Stargardt disease 3. Review status: no assertion criteria provided. Collection method: research. Allele origin: germline. Inheritance: Autosomal recessive inheritance. Affected: yes. Not counted in ClinVar's aggregate classification.

Literature cited by the submitters: PubMed 23755871 (cited by Labcorp Genetics (formerly Invitae), Labcorp); PubMed 24632595 (cited by Labcorp Genetics (formerly Invitae), Labcorp); PubMed 24763286 (cited by Labcorp Genetics (formerly Invitae), Labcorp); PubMed 27032803 (cited by Labcorp Genetics (formerly Invitae), Labcorp); PubMed 28559085 (cited by Labcorp Genetics (formerly Invitae), Labcorp); PubMed 31543898 (cited by Ophthalmo-Genetics Lab, Instituto de Oftalmologia Conde de Valenciana).